The following is an entry in ClinVar:

ClinVar aggregate classification (germline): Pathogenic (1 of 4 stars; one submission).

Submission:

CeGaT Center for Human Genetics Tuebingen
Classification: Pathogenic. Last evaluated: 2024-04-01. Review status: criteria provided, single submitter. Criteria: CeGaT Center For Human Genetics Tuebingen Variant Classification Criteria Version 2. Collection method: clinical testing. Allele origin: germline. Affected: yes. Observed: 1 variant allele.
Comment: DYRK1A: PVS1, PM2

NM_001347721.2(DYRK1A):c.457del (p.Asp153fs)

Gene: DYRK1A (dual specificity tyrosine phosphorylation regulated kinase 1A; plus strand). Cytogenetic location: 21q22.13.
Variant type: Deletion.
Coding change: c.457del on transcript NM_001347721.2 (MANE Select); coding-DNA position 457, one base deleted (G; older notation c.457delG).
Protein change: p.Asp153fs; shifts the reading frame from aspartic acid 153.
Molecular consequence: frameshift variant.
Genome position (GRCh38, 1-based): chr21:37,480,794, G deleted. VCF-style (leftmost placement, unchanged base first): chr21-37480793-TG-T. GRCh37 (hg19) VCF-style: chr21-38853095-TG-T.
Other names: c.457del, p.Asp153fs (NM_001347722.2, NM_130436.2); c.370del, p.Asp124fs (NM_001347723.2); c.484del, p.Asp162fs (NM_001396.5, NM_101395.2, NM_130438.2); short protein forms D124fs, D153fs, D162fs.
Identifiers: ClinVar variation 3234747 (VCV003234747.20), dbSNP rs2517988188, ClinGen allele CA2825002852.